The following is an entry in ClinVar:

NM_004360.5(CDH1):c.2584T>G (p.Leu862Val)

Gene: CDH1 (cadherin 1; plus strand). Cytogenetic location: 16q22.1.
Variant type: single nucleotide variant.
Coding change: c.2584T>G on transcript NM_004360.5 (MANE Select); coding-DNA position 2584, T replaced by G.
Protein change: p.Leu862Val; replaces leucine 862 with valine.
Molecular consequence: missense variant.
Genome position (GRCh38, 1-based): chr16:68,833,434, T>G. VCF-style: chr16-68833434-T-G. GRCh37 (hg19) VCF-style: chr16-68867337-T-G.
Other names: c.2401T>G, p.Leu801Val (NM_001317184.2); c.1036T>G, p.Leu346Val (NM_001317185.2); c.619T>G, p.Leu207Val (NM_001317186.2); short protein forms L207V, L346V, L801V, L862V.
Identifiers: ClinVar variation 1049244 (VCV001049244.6), dbSNP rs2152144131, ClinGen allele CA396472573.
Genomic context (GRCh38, chr16:68,833,434, plus strand): 5'-GCTGCTAGTCTGAGCTCCCTGAACTCCTCAGAGTCAGACAAAGACCAGGACTATGACTAC[T>G]TGAACGAATGGGGCAATCGCTTCAAGAAGCTGGCTGACATGTACGGAGGCGGCGAGGACG-3'
Protein context (NP_004351.1, residues 852-872): ESDKDQDYDY[Leu862Val]NEWGNRFKKL

ClinVar aggregate classification (germline): Uncertain significance. Review status: criteria provided, multiple submitters, no conflicts (2 of 4 stars). 3 submissions from 3 submitters: Uncertain significance (2). 1 of the submissions does not count toward it. Last evaluated 2025-09-10.

Conditions:
Hereditary cancer-predisposing syndrome. Also called: Tumor predisposition; Hereditary neoplastic syndrome; Hereditary Cancer Syndrome; Neoplastic Syndromes, Hereditary. Identifiers: Orphanet 140162, MedGen C0027672, MeSH D009386, MONDO:0015356.
Malignant tumor of breast. Also called: Malignant breast neoplasm; Cancer breast. Identifiers: MedGen C0006142, MONDO:0007254. Disease mechanism: loss of function.

gnomAD v4.1: 1 of 1,614,184 alleles (0.000062%); highest among the groups gnomAD compares: Non-Finnish European, 0.000085%; no homozygotes.

Submissions (3):

Ambry Genetics
Classification: Uncertain significance for Hereditary cancer-predisposing syndrome. Last evaluated: 2025-09-10. Review status: criteria provided, single submitter. Criteria: Ambry Variant Classification Scheme 2023. Collection method: clinical testing. Allele origin: germline.
Comment: The p.L862V variant (also known as c.2584T>G), located in coding exon 16 of the CDH1 gene, results from a T to G substitution at nucleotide position 2584. The leucine at codon 862 is replaced by valine, an amino acid with highly similar properties. This amino acid position is highly conserved in available vertebrate species. In addition, this alteration is predicted to be deleterious by in silico analysis. Based on the available evidence, the clinical significance of this variant remains unclear.

Color Diagnostics, LLC DBA Color Health
Classification: Uncertain significance for Hereditary cancer-predisposing syndrome. Last evaluated: 2024-05-23. Review status: criteria provided, single submitter. Criteria: ACMG Guidelines, 2015. Collection method: clinical testing. Allele origin: germline.
Comment: This missense variant replaces leucine with valine at codon 862 of the CDH1 protein. To our knowledge, functional studies have not been reported for this variant. This variant has been reported in an individual affected with breast cancer (PMID: 32885271). This variant has not been identified in the general population by the Genome Aggregation Database (gnomAD). The available evidence is insufficient to determine the role of this variant in disease conclusively. Therefore, this variant is classified as a Variant of Uncertain Significance.

Department of Pathology and Laboratory Medicine, Sinai Health System
Classification: Uncertain significance for Malignant tumor of breast. Review status: no assertion criteria provided. Collection method: clinical testing. Allele origin: unknown. Affected: yes. Observed: 1 variant allele. Study: The Canadian Open Genetics Repository (COGR). Not counted in ClinVar's aggregate classification.
Comment: The CDH1 p.Leu862Val variant was not identified in the literature nor was it identified in dbSNP, ClinVar, Cosmic, MutDB, or the Zhejiang University Database. The variant was not identified in the following control databases: the Exome Aggregation Consortium (August 8th 2016) or the Genome Aggregation Database (Feb 27, 2017). The p.Leu862 residue is conserved in mammals and computational analyses (PolyPhen-2, SIFT, AlignGVGD, BLOSUM, MutationTaster) provide inconsistent predictions regarding the impact to the protein; this information is not very predictive of pathogenicity. The variant occurs outside of the splicing consensus sequence and in silico or computational prediction software programs (SpliceSiteFinder, MaxEntScan, NNSPLICE, GeneSplicer) do not predict a difference in splicing. In summary, based on the above information the clinical significance of this variant cannot be determined with certainty at this time. This variant is classified as a variant of uncertain significance.

Literature cited by the submitters: PubMed 32885271 (cited by Color Diagnostics, LLC DBA Color Health).